The following is an entry in ClinVar:

ClinVar aggregate classification (germline): Pathogenic. Review status: criteria provided, multiple submitters, no conflicts (2 of 4 stars). 4 submissions from 4 submitters: Pathogenic (3). 1 of the submissions does not count toward it. Last evaluated 2026-01-19.

Conditions:
Sulfite oxidase deficiency due to molybdenum cofactor deficiency type A. Also called: Molybdenum Cofactor Deficiency A; Molybdenum cofactor deficiency, complementation group A. Identifiers: Orphanet 308386, Orphanet 833, MedGen C1854988, MONDO:0009643, OMIM 252150.

Submissions (4):

Labcorp Genetics (formerly Invitae), Labcorp
Classification: Pathogenic for Sulfite oxidase deficiency due to molybdenum cofactor deficiency type A. Last evaluated: 2026-01-19. Review status: criteria provided, single submitter. Criteria: Invitae Variant Classification Sherloc (09022015). Collection method: clinical testing. Allele origin: germline.
Comment: This sequence change creates a premature translational stop signal (p.Leu241Argfs*6) in the MOCS1 gene. It is expected to result in an absent or disrupted protein product. Loss-of-function variants in MOCS1 are known to be pathogenic (PMID: 12754701, 16021469). This variant is not present in population databases (gnomAD no frequency). This premature translational stop signal has been observed in individuals with molybdenum cofactor deficiency (PMID: 9731530, 27289259). ClinVar contains an entry for this variant (Variation ID: 6117). For these reasons, this variant has been classified as Pathogenic.

First Genomix Gene Laboratory, Genetic Diagnostics Department
Classification: Pathogenic for Sulfite oxidase deficiency due to molybdenum cofactor deficiency type A. Last evaluated: 2025-12-31. Review status: criteria provided, single submitter. Criteria: ACMG Guidelines, 2015. Collection method: clinical testing. Allele origin: germline. Inheritance: Autosomal recessive inheritance. Affected: no. Observed: 1 variant allele.

Victorian Clinical Genetics Services, Murdoch Childrens Research Institute
Classification: Pathogenic for Sulfite oxidase deficiency due to molybdenum cofactor deficiency type A. Last evaluated: 2020-10-19. Review status: criteria provided, single submitter. Criteria: ACMG Guidelines, 2015. Collection method: clinical testing. Allele origin: germline. Inheritance: Autosomal recessive inheritance. Affected: yes.
Comment: Based on the classification scheme VCGS_Germline_v1.1.1, this variant is classified as Pathogenic. Following criteria are met: 0102 - Loss-of-function is a known mechanism of disease for this gene. (N) 0106 - This gene is known to be associated with autosomal recessive disease. (N) 0201 - Variant is predicted to cause nonsense-mediated decay (NMD) and loss of protein (exon 6 of 11). (P) 0252 - Variant is homozygous. (N) 0301 - Variant is absent from gnomAD. (P) 0702 - Comparable variants have strong previous evidence for pathogenicity. At least other 7 variants predicted to result in NMD have been reported pathogenic (PMID: 21031595; PMID: 27289259). (P) 0803 - Low previous evidence of pathogenicity in unrelated individuals. At least two patients with Molybdenum cofactor deficiency A have been reported homozygous (PMID: 9731530; PMID: 27289259). (P) 0905 - No segregation evidence has been identified for this variant. (N) 1007 - No published functional evidence has been identified for this variant. (N) 1205 - Variant is maternally and paternally inherited. (N) Legend: (P) - Pathogenic, (N) - Neutral, (B) - Benign

OMIM
Classification: Pathogenic for MOLYBDENUM COFACTOR DEFICIENCY, TYPE A. Last evaluated: 1998-09-01. Review status: no assertion criteria provided. Collection method: literature only. Allele origin: germline. Not counted in ClinVar's aggregate classification.

Literature cited by the submitters: PubMed 12754701 (cited by Labcorp Genetics (formerly Invitae), Labcorp); PubMed 16021469 (cited by Labcorp Genetics (formerly Invitae), Labcorp); PubMed 9731530 (cited by 3 submitters); PubMed 27289259 (cited by Labcorp Genetics (formerly Invitae), Labcorp and Victorian Clinical Genetics Services, Murdoch Childrens Research Institute); PubMed 21031595 (cited by Victorian Clinical Genetics Services, Murdoch Childrens Research Institute); PubMed 9634514 (cited by OMIM); PubMed 7660932 (cited by OMIM).

NM_001358530.2(MOCS1):c.722del (p.Leu241fs)

Gene: MOCS1 (molybdenum cofactor synthesis 1; minus strand). Cytogenetic location: 6p21.2.
Variant type: Deletion.
Coding change: c.722del on transcript NM_001358530.2 (MANE Select); coding-DNA position 722, one base deleted (T; older notation c.722delT).
Protein change: p.Leu241fs; shifts the reading frame from leucine 241.
Molecular consequence: frameshift variant. On other transcripts: non-coding transcript variant (1).
Genome position (GRCh38, 1-based): chr6:39,913,352, A deleted on the plus strand (T on the coding strand, the reverse complement: MOCS1 is on the minus strand). VCF-style (leftmost placement, unchanged base first): chr6-39913351-CA-C. GRCh37 (hg19) VCF-style: chr6-39881095-CA-C.
Other names: c.722del, p.Leu241fs (NM_001075098.4, NM_001358529.2, NM_005943.6); c.461del, p.Leu154fs (NM_001358531.2, NM_001358533.2, NM_001358534.2); short protein forms L241fs, L154fs.
Identifiers: ClinVar variation 6117 (VCV000006117.5), dbSNP rs397518418, ClinGen allele CA117953.